The following is an entry in ClinVar:

NM_000059.4(BRCA2):c.2693G>C (p.Arg898Thr)

Gene: BRCA2 (BRCA2 DNA repair associated; plus strand). Cytogenetic location: 13q13.1.
Variant type: single nucleotide variant.
Coding change: c.2693G>C on transcript NM_000059.4 (MANE Select); coding-DNA position 2693, G replaced by C.
Protein change: p.Arg898Thr; replaces arginine 898 with threonine.
Molecular consequence: missense variant. On other transcripts: non-coding transcript variant (1), intron variant (2).
Genome position (GRCh38, 1-based): chr13:32,337,048, G>C. VCF-style: chr13-32337048-G-C. GRCh37 (hg19) VCF-style: chr13-32911185-G-C.
Other names: R898T; 2921G>C; c.2693G>C, p.Arg898Thr (NM_001406719.1, NM_001406720.1); c.1909+3661G>C (NM_001406721.1); c.424+6018G>C (NM_001406722.1).
Identifiers: ClinVar variation 37797 (VCV000037797.5), dbSNP rs397507292, ClinGen allele CA016082.

ClinVar aggregate classification (germline): Uncertain significance. Review status: criteria provided, single submitter (1 of 4 stars). 2 submissions from 2 submitters: Uncertain significance (1). 1 of the submissions does not count toward it. Last evaluated 2025-12-16.

Conditions:
Hereditary cancer-predisposing syndrome. Also called: Tumor predisposition; Neoplastic Syndromes, Hereditary; Hereditary Cancer Syndrome; Hereditary neoplastic syndrome. Identifiers: Orphanet 140162, MedGen C0027672, MeSH D009386, MONDO:0015356.
Breast-ovarian cancer, familial, susceptibility to, 2 (BROVCA2). Also called: BRCA2 Hereditary Breast and Ovarian Cancer. Identifiers: Orphanet 145, MedGen C2675520, MONDO:0012933, OMIM 612555. Disease mechanism: loss of function.

Allele frequency attached by ClinVar (database versions not stated): gnomAD exomes below 0.00001.
gnomAD v4.1: 1 of 1,600,024 alleles (0.000062%); highest among the groups gnomAD compares: East Asian, 0.0022%; no homozygotes.

Submissions (2):

Ambry Genetics
Classification: Uncertain significance for Hereditary cancer-predisposing syndrome. Last evaluated: 2025-12-16. Review status: criteria provided, single submitter. Criteria: Ambry Variant Classification Scheme 2023. Collection method: clinical testing. Allele origin: germline.
Comment: The p.R898T variant (also known as c.2693G>C), located in coding exon 10 of the BRCA2 gene, results from a G to C substitution at nucleotide position 2693. The arginine at codon 898 is replaced by threonine, an amino acid with similar properties. This amino acid position is conserved. In addition, this alteration is predicted to be tolerated by in silico analysis. Since supporting evidence is limited at this time, the clinical significance of this alteration remains unclear.

Sharing Clinical Reports Project (SCRP)
Classification: Uncertain significance for Breast-ovarian cancer, familial 2. Last evaluated: 2011-11-21. Review status: no assertion criteria provided. Collection method: clinical testing. Allele origin: germline. Not counted in ClinVar's aggregate classification.